The following is an entry in ClinVar:

ClinVar aggregate classification (germline): Uncertain significance (1 of 4 stars; one submission).

Conditions:
Pitt-Hopkins-like syndrome 2 (PTHSL2). Identifiers: Orphanet 221150, Orphanet 600663, MedGen C3280479, MONDO:0013690, OMIM 614325.

Allele frequency attached by ClinVar (database versions not stated): TOPMed below 0.00001.

Submission:

Labcorp Genetics (formerly Invitae), Labcorp
Classification: Uncertain significance for Pitt-Hopkins-like syndrome 2. Last evaluated: 2023-02-03. Review status: criteria provided, single submitter. Criteria: Invitae Variant Classification Sherloc (09022015). Collection method: clinical testing. Allele origin: germline.
Comment: Advanced modeling of protein sequence and biophysical properties (such as structural, functional, and spatial information, amino acid conservation, physicochemical variation, residue mobility, and thermodynamic stability) performed at Invitae indicates that this missense variant is not expected to disrupt NRXN1 protein function. In summary, the available evidence is currently insufficient to determine the role of this variant in disease. Therefore, it has been classified as a Variant of Uncertain Significance. This sequence change replaces leucine, which is neutral and non-polar, with isoleucine, which is neutral and non-polar, at codon 1489 of the NRXN1 protein (p.Leu1489Ile). This variant is not present in population databases (gnomAD no frequency). This variant has not been reported in the literature in individuals affected with NRXN1-related conditions.

NM_001330078.2(NRXN1):c.4345C>A (p.Leu1449Ile)

Gene: NRXN1 (neurexin 1; minus strand). Cytogenetic location: 2p16.3.
Variant type: single nucleotide variant.
Coding change: c.4345C>A on transcript NM_001330078.2 (MANE Select); coding-DNA position 4345, C replaced by A.
Protein change: p.Leu1449Ile; replaces leucine 1449 with isoleucine.
Molecular consequence: missense variant.
Genome position (GRCh38, 1-based): chr2:49,922,123, G>T on the plus strand (C>A on the coding strand, the complement: NRXN1 is on the minus strand). VCF-style: chr2-49922123-G-T. GRCh37 (hg19) VCF-style: chr2-50149261-G-T.
Other names: c.4204C>A, p.Leu1402Ile (NM_001330095.2); c.4135C>A, p.Leu1379Ile (NM_001330096.2); c.1141C>A, p.Leu381Ile (NM_001330097.2); c.4255C>A, p.Leu1419Ile (NM_004801.6); c.1150C>A, p.Leu384Ile (NM_138735.5); c.4465C>A, p.Leu1489Ile (NM_001135659.3); c.250C>A, p.Leu84Ile (NM_001320156.4); c.241C>A, p.Leu81Ile (NM_001320157.4); and 12 more; short protein forms L1394I, L1448I, L1489I, L384I, L81I, L84I, L1402I, L1427I.
Identifiers: ClinVar variation 2834276 (VCV002834276.3), dbSNP rs1668312417, ClinGen allele CA346818567.